The following is an entry in ClinVar:

NM_001384732.1(CPLANE1):c.2666C>T (p.Ala889Val)

Gene: CPLANE1 (ciliogenesis and planar polarity effector complex subunit 1; minus strand). Cytogenetic location: 5p13.2.
Variant type: single nucleotide variant.
Coding change: c.2666C>T on transcript NM_001384732.1 (MANE Select); coding-DNA position 2666, C replaced by T.
Protein change: p.Ala889Val; replaces alanine 889 with valine.
Molecular consequence: missense variant.
Genome position (GRCh38, 1-based): chr5:37,221,404, G>A on the plus strand (C>T on the coding strand, the complement: CPLANE1 is on the minus strand). VCF-style: chr5-37221404-G-A. GRCh37 (hg19) VCF-style: chr5-37221506-G-A.
Other names: c.2666C>T, p.Ala889Val (NM_023073.4); short protein forms A889V.
Identifiers: ClinVar variation 1332738 (VCV001332738.5), dbSNP rs2150361119, ClinGen allele CA359488568.
Genomic context (GRCh38, chr5:37,221,404, plus strand): 5'-TTTACAGGTAGTTGGGACCATCTCAGGATTTCTCTTGCTAGCTGATCACACAATCCTTGA[G>A]CATCATTTAAATTATAGCTATAGAGGTGGCAGTATAAGAGAGAAAGATAATAGCGTATCT-3'
Protein context (NP_001371661.1, residues 879-899): CHLYSYNLND[Ala889Val]QGLCDQLARE

ClinVar aggregate classification (germline): Conflicting classifications of pathogenicity. Review status: criteria provided, conflicting classifications (1 of 4 stars). 2 submissions from 2 submitters: Likely pathogenic (1); Uncertain significance (1). Last evaluated 2024-09-18.

Conditions:
Orofaciodigital syndrome type 6 (OFD6). Also called: OROFACIODIGITAL SYNDROME VI; OFDS VI; POLYDACTYLY, CLEFT LIP/PALATE OR LINGUAL LUMP, AND PSYCHOMOTOR RETARDATION; VARADI SYNDROME; VARADI-PAPP SYNDROME; Oral-facial-digital syndrome type 6. Identifiers: Orphanet 2754, MedGen C2745997, MONDO:0010176, OMIM 277170.

gnomAD v4.1: 1 of 1,539,126 alleles (0.000065%); no homozygotes.

Submissions (2):

GeneDx
Classification: Uncertain significance. Last evaluated: 2024-09-18. Review status: criteria provided, single submitter. Criteria: GeneDx Variant Classification Process June 2021. Collection method: clinical testing. Allele origin: germline.
Comment: Not observed at significant frequency in large population cohorts (gnomAD); In silico analysis supports that this missense variant has a deleterious effect on protein structure/function; This variant is associated with the following publications: (PMID: 30408610)

Kasturba Medical College, Manipal, Kasturba Medical College, Manipal, Manipal Academy of Higher Education, Manipal, India
Classification: Likely pathogenic for Orofaciodigital syndrome type 6. Review status: criteria provided, single submitter. Criteria: ACMG Guidelines, 2015. Collection method: clinical testing. Allele origin: inherited. Inheritance: Autosomal recessive inheritance. Affected: yes. Observed: 2 variant alleles, 2 heterozygotes, 2 homozygotes.

Literature cited by the submitters: PubMed 30408610 (cited by Kasturba Medical College, Manipal, Kasturba Medical College, Manipal, Manipal Academy of Higher Education, Manipal, India).